The following is an entry in ClinVar:

NM_001127222.2(CACNA1A):c.6340A>T (p.Thr2114Ser)

Gene: CACNA1A (calcium voltage-gated channel subunit alpha1 A; minus strand). Cytogenetic location: 19p13.13.
Variant type: single nucleotide variant.
Coding change: c.6340A>T on transcript NM_001127222.2 (MANE Select); coding-DNA position 6340, A replaced by T.
Protein change: p.Thr2114Ser; replaces threonine 2114 with serine.
Molecular consequence: missense variant.
Genome position (GRCh38, 1-based): chr19:13,209,498, T>A on the plus strand (A>T on the coding strand, the complement: CACNA1A is on the minus strand). VCF-style: chr19-13209498-T-A. GRCh37 (hg19) VCF-style: chr19-13320312-T-A.
Other names: c.6358A>T, p.Thr2120Ser (NM_000068.4, NM_023035.3); c.6343A>T, p.Thr2115Ser (NM_001127221.2); c.6349A>T, p.Thr2117Ser (NM_001174080.2); short protein forms T2120S, T2114S, T2117S, T2115S.
Identifiers: ClinVar variation 961779 (VCV000961779.10), dbSNP rs2054722290, ClinGen allele CA404331195.
Genomic context (GRCh38, chr19:13,209,498, plus strand): 5'-GTCGGGCCTTGGGGCCCAGCACGGAGGCTGAACGCTTCATGGGGCTGGTGTCTGAGATGG[T>A]CTGGGGGAGGGGACAGGCCGGTGGGCTGGGGTCAGCAGCTAGCACCAAGTGGTCCCGGTC-3'
Protein context (NP_001120694.1, residues 2104-2124): RGRPRGNNLS[Thr2114Ser]ISDTSPMKRS

ClinVar aggregate classification (germline): Uncertain significance (1 of 4 stars; one submission).

Conditions:
Developmental and epileptic encephalopathy, 42 (DEE42A). Also called: DEVELOPMENTAL AND EPILEPTIC ENCEPHALOPATHY 42A; EPILEPTIC ENCEPHALOPATHY, EARLY INFANTILE, 42A; Epileptic encephalopathy, early infantile, 42. Identifiers: MedGen C4310716, MONDO:0014917, OMIM 617106.
Episodic ataxia type 2 (EA2). Also called: ATAXIA, EPISODIC, WITH NYSTAGMUS; ATAXIA, FAMILIAL PAROXYSMAL; CEREBELLAR ATAXIA, PAROXYSMAL, ACETAZOLAMIDE-RESPONSIVE; ACETAZOLAMIDE-RESPONSIVE HEREDITARY PAROXYSMAL CEREBELLAR ATAXIA; CEREBELLOPATHY, HEREDITARY PAROXYSMAL; EPISODIC ATAXIA, NYSTAGMUS-ASSOCIATED. Identifiers: Orphanet 97, MedGen C1720416, MONDO:0007163, OMIM 108500.

Submission:

Labcorp Genetics (formerly Invitae), Labcorp
Classification: Uncertain significance for Developmental and epileptic encephalopathy, 42; Episodic ataxia type 2. Last evaluated: 2019-07-31. Review status: criteria provided, single submitter. Criteria: Invitae Variant Classification Sherloc (09022015). Collection method: clinical testing. Allele origin: germline.
Comment: Algorithms developed to predict the effect of missense changes on protein structure and function are either unavailable or do not agree on the potential impact of this missense change (SIFT: "Tolerated"; PolyPhen-2: "Possibly Damaging"; Align-GVGD: "Class C0"). In summary, the available evidence is currently insufficient to determine the role of this variant in disease. Therefore, it has been classified as a Variant of Uncertain Significance. This variant has not been reported in the literature in individuals with CACNA1A-related conditions. The frequency data for this variant in the population databases is considered unreliable, as metrics indicate insufficient coverage at this position in the ExAC database. This sequence change replaces threonine with serine at codon 2115 of the CACNA1A protein (p.Thr2115Ser). The threonine residue is moderately conserved and there is a small physicochemical difference between threonine and serine.